The following is an entry in ClinVar:

ClinVar aggregate classification (germline): Uncertain significance (1 of 4 stars; one submission).

Conditions:
POLD1-related polyposis and colorectal cancer syndrome (CRCS10). Also called: Colorectal cancer 10; COLORECTAL CANCER, SUSCEPTIBILITY TO, ON CHROMOSOME 19q; Colorectal cancer, susceptibility to, 10. Identifiers: Orphanet 220460, MedGen C2675481, MONDO:0012953, OMIM 612591.

Allele frequency attached by ClinVar (database versions not stated): gnomAD exomes below 0.00001.
gnomAD v4.1: 1 of 1,563,774 alleles (0.000064%); highest among the groups gnomAD compares: Non-Finnish European, 0.000087%; no homozygotes.

Submission:

Labcorp Genetics (formerly Invitae), Labcorp
Classification: Uncertain significance for POLD1-related polyposis and colorectal cancer syndrome. Last evaluated: 2017-09-16. Review status: criteria provided, single submitter. Criteria: Invitae Variant Classification Sherloc (09022015). Collection method: clinical testing. Allele origin: germline.
Comment: This sequence change replaces tryptophan with serine at codon 344 of the POLD1 protein (p.Trp344Ser). The tryptophan residue is weakly conserved and there is a large physicochemical difference between tryptophan and serine. In summary, the available evidence is currently insufficient to determine the role of this variant in disease. Therefore, it has been classified as a Variant of Uncertain Significance. Algorithms developed to predict the effect of missense changes on protein structure and function (SIFT, PolyPhen-2, Align-GVGD) all suggest that this variant is likely to be tolerated, but these predictions have not been confirmed by published functional studies and their clinical significance is uncertain. This variant has not been reported in the literature in individuals with POLD1-related disease. This variant is not present in population databases (ExAC no frequency).

NM_002691.4(POLD1):c.1031G>C (p.Trp344Ser)

Gene: POLD1 (DNA polymerase delta 1, catalytic subunit; plus strand). Cytogenetic location: 19q13.33.
Variant type: single nucleotide variant.
Coding change: c.1031G>C on transcript NM_002691.4 (MANE Select); coding-DNA position 1031, G replaced by C.
Protein change: p.Trp344Ser; replaces tryptophan 344 with serine.
Molecular consequence: missense variant. On other transcripts: non-coding transcript variant (1).
Genome position (GRCh38, 1-based): chr19:50,403,113, G>C. VCF-style: chr19-50403113-G-C. GRCh37 (hg19) VCF-style: chr19-50906370-G-C.
Other names: c.1031G>C, p.Trp344Ser (NM_001256849.1, NM_001308632.1); short protein forms W344S.
Identifiers: ClinVar variation 537061 (VCV000537061.8), dbSNP rs1555790406, ClinGen allele CA406978055.
Genomic context (GRCh38, chr19:50,403,113, plus strand): 5'-GCATCTTCCCTGAGCCTGAGCGGGACCCTGTCATCCAGATCTGCTCGCTGGGCCTGCGCT[G>C]GGGGGAGCCGGAGCCCTTCCTACGCCTGGCGCTCACCCTGCGGCCCTGTGCCCCCATCCT-3'
Protein context (NP_002682.2, residues 334-354): VIQICSLGLR[Trp344Ser]GEPEPFLRLA